The following is an entry in ClinVar:

ClinVar aggregate classification (germline): Uncertain significance (1 of 4 stars; one submission).

Conditions:
Werner syndrome (WRN). Identifiers: Orphanet 902, MedGen C0043119, MONDO:0010196, OMIM 277700.

Allele frequency attached by ClinVar (database versions not stated): gnomAD exomes below 0.00001.
gnomAD v4.1: 1 of 1,602,418 alleles (0.000062%); highest among the groups gnomAD compares: South Asian, 0.0011%; no homozygotes.

Submission:

Labcorp Genetics (formerly Invitae), Labcorp
Classification: Uncertain significance for Werner syndrome. Last evaluated: 2022-07-10. Review status: criteria provided, single submitter. Criteria: Invitae Variant Classification Sherloc (09022015). Collection method: clinical testing. Allele origin: germline.
Comment: This sequence change replaces alanine, which is neutral and non-polar, with serine, which is neutral and polar, at codon 219 of the WRN protein (p.Ala219Ser). This variant is not present in population databases (gnomAD no frequency). In summary, the available evidence is currently insufficient to determine the role of this variant in disease. Therefore, it has been classified as a Variant of Uncertain Significance. Algorithms developed to predict the effect of sequence changes on RNA splicing suggest that this variant may disrupt the consensus splice site. Algorithms developed to predict the effect of missense changes on protein structure and function are either unavailable or do not agree on the potential impact of this missense change (SIFT: "Not Available"; PolyPhen-2: "Probably Damaging"; Align-GVGD: "Not Available"). This variant has not been reported in the literature in individuals affected with WRN-related conditions.

NM_000553.6(WRN):c.655G>T (p.Ala219Ser)

Gene: WRN (WRN RecQ like helicase; plus strand). Cytogenetic location: 8p12.
Variant type: single nucleotide variant.
Coding change: c.655G>T on transcript NM_000553.6 (MANE Select); coding-DNA position 655, G replaced by T.
Protein change: p.Ala219Ser; replaces alanine 219 with serine.
Molecular consequence: missense variant.
Genome position (GRCh38, 1-based): chr8:31,068,258, G>T. VCF-style: chr8-31068258-G-T. GRCh37 (hg19) VCF-style: chr8-30925774-G-T.
Other names: short protein forms A219S.
Identifiers: ClinVar variation 2107163 (VCV002107163.4), dbSNP rs2535889343, ClinGen allele CA370916856.